The following is an entry in ClinVar:

NM_000051.4(ATM):c.1836del (p.Leu612_Val613insTer)

Gene: ATM (ATM serine/threonine kinase; plus strand). Cytogenetic location: 11q22.3.
Variant type: Deletion.
Coding change: c.1836del on transcript NM_000051.4 (MANE Select); coding-DNA position 1836, one base deleted (T; older notation c.1836delT).
Protein change: p.Leu612_Val613insTer.
Molecular consequence: frameshift variant.
Genome position (GRCh38, 1-based): chr11:108,252,850, T deleted; the last of 2 consecutive T bases (chr11:108,252,849-108,252,850); deleting either gives the same sequence. VCF-style (leftmost placement, unchanged base first): chr11-108252848-CT-C. GRCh37 (hg19) VCF-style: chr11-108123575-CT-C.
Other names: c.1836del, p.Leu612_Val613insTer (NM_001351834.2).
Identifiers: ClinVar variation 3965706 (VCV003965706.1).
Genomic context (GRCh38, chr11:108,252,848, plus strand): 5'-TAAGTGAAGCTTTTTGTTTTTCTTTGTAGTAATTTTCCTCATCTTGTACTGGAGAAAATT[CT>C]TGTGAGTCTCACTATGAAAAACTGTAAAGCTGCAATGAATTTTTTCCAAAGCGTGCCAGA-3'

ClinVar aggregate classification (germline): Pathogenic (1 of 4 stars; one submission).

Conditions:
Hereditary cancer-predisposing syndrome. Also called: Tumor predisposition; Hereditary neoplastic syndrome; Hereditary Cancer Syndrome; Neoplastic Syndromes, Hereditary. Identifiers: Orphanet 140162, MedGen C0027672, MeSH D009386, MONDO:0015356.

Submission:

Ambry Genetics
Classification: Pathogenic for Hereditary cancer-predisposing syndrome. Last evaluated: 2025-03-20. Review status: criteria provided, single submitter. Criteria: Ambry Variant Classification Scheme 2023. Collection method: clinical testing. Allele origin: germline.
Comment: The c.1836delT pathogenic mutation, located in coding exon 11 of the ATM gene, results from a deletion of one nucleotide at nucleotide position 1836, causing a translational frameshift with a predicted alternate stop codon (p.V613*). This variant is considered to be rare based on population cohorts in the Genome Aggregation Database (gnomAD). This alteration is expected to result in loss of function by premature protein truncation or nonsense-mediated mRNA decay. As such, this alteration is interpreted as a disease-causing mutation.